The following is an entry in ClinVar:

ClinVar aggregate classification (germline): Uncertain significance. Review status: criteria provided, multiple submitters, no conflicts (2 of 4 stars). 2 submissions from 2 submitters: Uncertain significance (2). Last evaluated 2026-05-06.

Conditions:
Inborn genetic diseases. Identifiers: MedGen C0950123, MeSH D030342.
UGT1A1-related disorder. Also called: UGT1A1-related condition; UGT1A1-related disorders.

Allele frequency attached by ClinVar (database versions not stated): ExAC 0.00001.
gnomAD v4.1: 8 of 1,614,034 alleles (0.0005%); highest among the groups gnomAD compares: African/African-American, 0.0013%; no homozygotes.

Submissions (2):

PreventionGenetics, part of Exact Sciences
Classification: Uncertain significance for UGT1A1-related condition. Last evaluated: 2026-05-06. Review status: criteria provided, single submitter. Criteria: ACMG Guidelines, 2015. Collection method: clinical testing. Allele origin: germline.
Comment: The UGT1A1 c.793C>T variant is predicted to result in the amino acid substitution p.Pro265Ser. To our knowledge, this variant has not been reported in the literature. This variant is reported in 0.0027% of alleles in individuals of European (Non-Finnish) descent in gnomAD. At this time, the clinical significance of this variant is uncertain due to the absence of conclusive functional and genetic evidence.

Ambry Genetics
Classification: Uncertain significance for Inborn genetic diseases. Last evaluated: 2023-02-28. Review status: criteria provided, single submitter. Criteria: Ambry Variant Classification Scheme 2023. Collection method: clinical testing. Allele origin: germline.

NM_000463.3(UGT1A1):c.793C>T (p.Pro265Ser)

Genes: UGT1A (UDP glucuronosyltransferase family 1 member A complex locus; plus strand), UGT1A1 (UDP glucuronosyltransferase family 1 member A1; plus strand), UGT1A10 (UDP glucuronosyltransferase family 1 member A10; plus strand), UGT1A3 (UDP glucuronosyltransferase family 1 member A3; plus strand), UGT1A4 (UDP glucuronosyltransferase family 1 member A4; plus strand) and 5 more. Cytogenetic location: 2q37.1.
Variant type: single nucleotide variant.
Coding change: c.793C>T on transcript NM_000463.3 (MANE Select); coding-DNA position 793, C replaced by T.
Protein change: p.Pro265Ser; replaces proline 265 with serine.
Molecular consequence: missense variant. On other transcripts: intron variant (9).
Genome position (GRCh38, 1-based): chr2:233,761,080, C>T. VCF-style: chr2-233761080-C-T. GRCh37 (hg19) VCF-style: chr2-234669726-C-T.
Other names: c.856-5954C>T (NM_019076.5, NM_019075.4, NM_021027.3 and 1 more transcripts); c.61-5954C>T (NM_205862.3); c.862-5954C>T (NM_001072.4); c.868-5954C>T (NM_019078.2, NM_007120.3, NM_019093.4); short protein forms P265S.
Identifiers: ClinVar variation 2491735 (VCV002491735.3), dbSNP rs760907397, ClinGen allele CA2179886.